The following is an entry in ClinVar:

ClinVar aggregate classification (germline): Uncertain significance (1 of 4 stars; one submission).

Conditions:
Hereditary cancer-predisposing syndrome. Also called: Tumor predisposition; Hereditary neoplastic syndrome; Neoplastic Syndromes, Hereditary; Hereditary Cancer Syndrome. Identifiers: Orphanet 140162, MedGen C0027672, MeSH D009386, MONDO:0015356.

Submission:

Labcorp Genetics (formerly Invitae), Labcorp
Classification: Uncertain significance for Hereditary cancer-predisposing syndrome. Last evaluated: 2021-10-01. Review status: criteria provided, single submitter. Criteria: Invitae Variant Classification Sherloc (09022015). Collection method: clinical testing. Allele origin: germline.
Comment: In summary, the available evidence is currently insufficient to determine the role of this variant in disease. Therefore, it has been classified as a Variant of Uncertain Significance. Experimental studies and prediction algorithms are not available or were not evaluated, and the functional significance of this variant is currently unknown. This variant has not been reported in the literature in individuals affected with RAD50-related conditions. This variant is not present in population databases (ExAC no frequency). This sequence change creates a premature translational stop signal (p.Glu1281*) in the RAD50 gene. While this is not anticipated to result in nonsense mediated decay, it is expected to disrupt the last 32 amino acid(s) of the RAD50 protein.

NM_005732.4(RAD50):c.3841G>T (p.Glu1281Ter)

Genes: RAD50 (RAD50 double strand break repair protein; plus strand), TH2LCRR (T helper type 2 locus control region associated RNA; minus strand). Cytogenetic location: 5q31.1.
Variant type: single nucleotide variant.
Coding change: c.3841G>T on transcript NM_005732.4 (MANE Select); coding-DNA position 3841, G replaced by T.
Protein change: p.Glu1281Ter; replaces glutamic acid 1281 with a stop codon.
Molecular consequence: nonsense. On other transcripts: non-coding transcript variant (1).
Genome position (GRCh38, 1-based): chr5:132,642,266, G>T. VCF-style: chr5-132642266-G-T. GRCh37 (hg19) VCF-style: chr5-131977958-G-T.
Other names: short protein forms E1281*.
Identifiers: ClinVar variation 1493681 (VCV001493681.6), dbSNP rs781413356, ClinGen allele CA360936803.